The following is an entry in ClinVar:

NM_004583.4(RAB5C):c.239A>G (p.Gln80Arg)

Gene: RAB5C (RAB5C, member RAS oncogene family; minus strand). Cytogenetic location: 17q21.2.
Variant type: single nucleotide variant.
Coding change: c.239A>G on transcript NM_004583.4 (MANE Select); coding-DNA position 239, A replaced by G.
Protein change: p.Gln80Arg; replaces glutamine 80 with arginine.
Molecular consequence: missense variant.
Genome position (GRCh38, 1-based): chr17:42,128,728, T>C on the plus strand (A>G on the coding strand, the complement: RAB5C is on the minus strand). VCF-style: chr17-42128728-T-C. GRCh37 (hg19) VCF-style: chr17-40280746-T-C.
Other names: p.Q113R; c.239A>G (NM_201434.1); c.338A>G, p.Gln113Arg (NM_001252039.2); c.239A>G, p.Gln80Arg (NM_201434.3); short protein forms Q113R, Q80R.
Identifiers: ClinVar variation 1342146 (VCV001342146.8), dbSNP rs2144062523, ClinGen allele CA399558779.

ClinVar aggregate classification (germline): Likely pathogenic. Review status: criteria provided, multiple submitters, no conflicts (2 of 4 stars). 2 submissions from 2 submitters: Likely pathogenic (2). Last evaluated 2026-06-12.

Conditions:
Inborn genetic diseases. Identifiers: MedGen C0950123, MeSH D030342.
RAB5C-related disorder. Also called: RAB5C-related condition.

Submissions (2):

Undiagnosed Diseases Network, NIH
Classification: Likely pathogenic for RAB5C-related condition. Last evaluated: 2026-06-12. Review status: criteria provided, single submitter. Criteria: ACMG Guidelines, 2015. Collection method: clinical testing. Allele origin: de novo. Inheritance: Autosomal dominant inheritance. Affected: yes. Observed: 1 variant allele, 1 heterozygote. Study: Undiagnosed Diseases Network (NIH), UDN.

Ambry Genetics
Classification: Likely pathogenic for Inborn genetic diseases. Last evaluated: 2026-02-24. Review status: criteria provided, single submitter. Criteria: Ambry Variant Classification Scheme 2023. Collection method: clinical testing. Allele origin: germline.
Comment: The c.239A>G (p.Q80R) alteration is located in exon 4 (coding exon 2) of the RAB5C gene. This alteration results from a A to G substitution at nucleotide position 239, causing the glutamine (Q) at amino acid position 80 to be replaced by an arginine (R). This variant was not reported in population-based cohorts in the Genome Aggregation Database (gnomAD). This variant was determined to be de novo in at least one individual with features consistent with RAB5C-related neurodevelopmental disorder (Koop, 2023). This amino acid position is highly conserved in available vertebrate species. This missense alteration is located in a region that has a low rate of benign missense variation (Lek, 2016; Firth, 2009). An animal model expressing this variant exhibited phenotypes consistent with RAB5C-related neurodevelopmental disorder (Koop, 2023). This alteration is predicted to be deleterious by in silico analysis. Based on the available evidence, this alteration is classified as likely pathogenic.

Literature cited by the submitters: PubMed 37552066 (cited by Undiagnosed Diseases Network, NIH and Ambry Genetics).